The following is an entry in ClinVar:

ClinVar aggregate classification (germline): Uncertain significance. Review status: criteria provided, multiple submitters, no conflicts (2 of 4 stars). 2 submissions from 2 submitters: Uncertain significance (2). Last evaluated 2023-11-27.

Allele frequency attached by ClinVar (database versions not stated): gnomAD exomes 0.00001.
gnomAD v4.1: 50 of 1,613,810 alleles (0.0031%); highest among the groups gnomAD compares: Non-Finnish European, 0.0039%; no homozygotes.

Submissions (2):

GeneDx
Classification: Uncertain significance. Last evaluated: 2023-11-27. Review status: criteria provided, single submitter. Criteria: GeneDx Variant Classification Process June 2021. Collection method: clinical testing. Allele origin: germline. Affected: yes.
Comment: In silico analysis supports that this missense variant does not alter protein structure/function; Has not been previously published as pathogenic or benign to our knowledge

Labcorp Genetics (formerly Invitae), Labcorp
Classification: Uncertain significance. Last evaluated: 2022-03-26. Review status: criteria provided, single submitter. Criteria: Invitae Variant Classification Sherloc (09022015). Collection method: clinical testing. Allele origin: germline.
Comment: This sequence change replaces valine, which is neutral and non-polar, with methionine, which is neutral and non-polar, at codon 1140 of the CAD protein (p.Val1140Met). This variant is present in population databases (no rsID available, gnomAD 0.01%). This variant has not been reported in the literature in individuals affected with CAD-related conditions. Algorithms developed to predict the effect of missense changes on protein structure and function are either unavailable or do not agree on the potential impact of this missense change (SIFT: "Deleterious"; PolyPhen-2: "Probably Damaging"; Align-GVGD: "Class C15"). In summary, the available evidence is currently insufficient to determine the role of this variant in disease. Therefore, it has been classified as a Variant of Uncertain Significance.

NM_004341.5(CAD):c.3418G>A (p.Val1140Met)

Gene: CAD (carbamoyl-phosphate synthetase 2, aspartate transcarbamylase, and dihydroorotase; plus strand). Cytogenetic location: 2p23.3.
Variant type: single nucleotide variant.
Coding change: c.3418G>A on transcript NM_004341.5 (MANE Select); coding-DNA position 3418, G replaced by A.
Protein change: p.Val1140Met; replaces valine 1140 with methionine.
Molecular consequence: missense variant.
Genome position (GRCh38, 1-based): chr2:27,234,026, G>A. VCF-style: chr2-27234026-G-A. GRCh37 (hg19) VCF-style: chr2-27456894-G-A.
Other names: c.3229G>A, p.Val1077Met (NM_001306079.2); c.3418G>A (NM_004341.3); short protein forms V1140M, V1077M.
Identifiers: ClinVar variation 1422744 (VCV001422744.4), dbSNP rs988886378, ClinGen allele CA44509310.